The following is an entry in ClinVar:

NM_024529.5(CDC73):c.1070C>G (p.Ser357Cys)

Gene: CDC73 (cell division cycle 73; plus strand). Cytogenetic location: 1q31.2.
Variant type: single nucleotide variant.
Coding change: c.1070C>G on transcript NM_024529.5 (MANE Select); coding-DNA position 1070, C replaced by G.
Protein change: p.Ser357Cys; replaces serine 357 with cysteine.
Molecular consequence: missense variant.
Genome position (GRCh38, 1-based): chr1:193,212,393, C>G. VCF-style: chr1-193212393-C-G. GRCh37 (hg19) VCF-style: chr1-193181523-C-G.
Other names: short protein forms S357C.
Identifiers: ClinVar variation 1524628 (VCV001524628.8), dbSNP rs2102038479, ClinGen allele CA344077515.

ClinVar aggregate classification (germline): Uncertain significance (1 of 4 stars; one submission).

Conditions:
Parathyroid carcinoma (PRTC). Also called: CDC73-Related Parathyroid Carcinoma; Parathyroid gland carcinoma. Identifiers: Orphanet 143, MedGen C0687150, MONDO:0012004, OMIM 608266, HP:0006780.

Submission:

Labcorp Genetics (formerly Invitae), Labcorp
Classification: Uncertain significance for Parathyroid carcinoma. Last evaluated: 2024-09-30. Review status: criteria provided, single submitter. Criteria: Invitae Variant Classification Sherloc (09022015). Collection method: clinical testing. Allele origin: germline.
Comment: This sequence change replaces serine, which is neutral and polar, with cysteine, which is neutral and slightly polar, at codon 357 of the CDC73 protein (p.Ser357Cys). This variant is not present in population databases (gnomAD no frequency). This variant has not been reported in the literature in individuals affected with CDC73-related conditions. ClinVar contains an entry for this variant (Variation ID: 1524628). Invitae Evidence Modeling of protein sequence and biophysical properties (such as structural, functional, and spatial information, amino acid conservation, physicochemical variation, residue mobility, and thermodynamic stability) indicates that this missense variant is expected to disrupt CDC73 protein function with a positive predictive value of 80%. In summary, the available evidence is currently insufficient to determine the role of this variant in disease. Therefore, it has been classified as a Variant of Uncertain Significance.